The following is an entry in ClinVar:

NM_018082.6(POLR3B):c.622C>T (p.His208Tyr)

Gene: POLR3B (RNA polymerase III subunit B; plus strand). Cytogenetic location: 12q23.3.
Variant type: single nucleotide variant.
Coding change: c.622C>T on transcript NM_018082.6 (MANE Select); coding-DNA position 622, C replaced by T.
Protein change: p.His208Tyr; replaces histidine 208 with tyrosine.
Molecular consequence: missense variant.
Genome position (GRCh38, 1-based): chr12:106,380,038, C>T. VCF-style: chr12-106380038-C-T. GRCh37 (hg19) VCF-style: chr12-106773816-C-T.
Other names: c.448C>T, p.His150Tyr (NM_001160708.2); short protein forms H150Y, H208Y.
Identifiers: ClinVar variation 3652977 (VCV003652977.2).

ClinVar aggregate classification (germline): Uncertain significance (1 of 4 stars; one submission).

Submission:

Labcorp Genetics (formerly Invitae), Labcorp
Classification: Uncertain significance. Last evaluated: 2024-11-04. Review status: criteria provided, single submitter. Criteria: Invitae Variant Classification Sherloc (09022015). Collection method: clinical testing. Allele origin: germline.
Comment: This sequence change replaces histidine, which is basic and polar, with tyrosine, which is neutral and polar, at codon 208 of the POLR3B protein (p.His208Tyr). This variant is not present in population databases (gnomAD no frequency). This variant has not been reported in the literature in individuals affected with POLR3B-related conditions. Invitae Evidence Modeling of protein sequence and biophysical properties (such as structural, functional, and spatial information, amino acid conservation, physicochemical variation, residue mobility, and thermodynamic stability) indicates that this missense variant is not expected to disrupt POLR3B protein function with a negative predictive value of 80%. In summary, the available evidence is currently insufficient to determine the role of this variant in disease. Therefore, it has been classified as a Variant of Uncertain Significance.